The following is an entry in ClinVar:

ClinVar aggregate classification (germline): Uncertain significance (1 of 4 stars; one submission).

Conditions:
Cardiovascular phenotype. Identifiers: MedGen CN230736.

Submission:

Ambry Genetics
Classification: Uncertain significance for Cardiovascular phenotype. Last evaluated: 2026-04-14. Review status: criteria provided, single submitter. Criteria: Ambry Variant Classification Scheme 2023. Collection method: clinical testing. Allele origin: germline.
Comment: The p.H218Y variant (also known as c.652C>T), located in coding exon 3 of the PKP2 gene, results from a C to T substitution at nucleotide position 652. The histidine at codon 218 is replaced by tyrosine, an amino acid with similar properties. This amino acid position is conserved. In addition, this alteration is predicted to be tolerated by in silico analysis. Based on the available evidence, the clinical significance of this variant remains unclear.

NM_001005242.3(PKP2):c.652C>T (p.His218Tyr)

Gene: PKP2 (plakophilin 2; minus strand). Cytogenetic location: 12p11.21.
Variant type: single nucleotide variant.
Coding change: c.652C>T on transcript NM_001005242.3 (MANE Select); coding-DNA position 652, C replaced by T.
Protein change: p.His218Tyr; replaces histidine 218 with tyrosine.
Molecular consequence: missense variant.
Genome position (GRCh38, 1-based): chr12:32,878,228, G>A on the plus strand (C>T on the coding strand, the complement: PKP2 is on the minus strand). VCF-style: chr12-32878228-G-A. GRCh37 (hg19) VCF-style: chr12-33031162-G-A.
Other names: c.652C>T, p.His218Tyr (NM_001407155.1, NM_001407156.1, NM_001407157.1 and 2 more transcripts); c.325C>T, p.His109Tyr (NM_001407158.1, NM_001407159.1, NM_001407160.1 and 1 more transcripts); short protein forms H109Y, H218Y.
Identifiers: ClinVar variation 4861997 (VCV004861997.1).
Genomic context (GRCh38, chr12:32,878,228, plus strand): 5'-GGTTGGCAGGGATGCTGTCAAAAACGGTGTCGCTAACAGAGCCATGCTGGTACTGTCTGT[G>A]GTATGTGTCAAAGTGGCGCTGCCTGCTTGTGGTGCCAGCACGGCTGACCCCCACGATCTC-3'
Protein context (NP_001005242.2, residues 208-228): TSRQRHFDTY[His218Tyr]RQYQHGSVSD